The following is an entry in ClinVar:

ClinVar aggregate classification (germline): Likely pathogenic (1 of 4 stars; one submission).

Conditions:
Inborn genetic diseases. Identifiers: MedGen C0950123, MeSH D030342.

Submission:

Ambry Genetics
Classification: Likely pathogenic for Inborn genetic diseases. Last evaluated: 2025-09-15. Review status: criteria provided, single submitter. Criteria: Ambry Variant Classification Scheme 2023. Collection method: clinical testing. Allele origin: germline.
Comment: The c.2264-2A>G intronic alteration results from a A to G substitution two nucleotides before coding exon 12 of the MED13 gene. Alterations that disrupt the canonical splice site are expected to cause aberrant splicing, resulting in an abnormal protein or a transcript that is subject to nonsense-mediated mRNA decay. This variant was not reported in population-based cohorts in the Genome Aggregation Database (gnomAD). This nucleotide position is highly conserved in available vertebrate species. In silico splice site analysis predicts that this alteration will weaken the native splice acceptor site and will result in the creation or strengthening of a novel splice acceptor site. Based on the available evidence, this alteration is classified as likely pathogenic.

NM_005121.3(MED13):c.2264-2A>G

Gene: MED13 (mediator complex subunit 13; minus strand). Cytogenetic location: 17q23.2.
Variant type: single nucleotide variant.
Coding change: c.2264-2A>G on transcript NM_005121.3 (MANE Select); the canonical splice acceptor site of the intron before coding-DNA position 2264, A replaced by G.
Molecular consequence: splice acceptor variant.
Genome position (GRCh38, 1-based): chr17:61,987,130, T>C on the plus strand (A>G on the coding strand, the complement: MED13 is on the minus strand). VCF-style: chr17-61987130-T-C. GRCh37 (hg19) VCF-style: chr17-60064491-T-C.
Identifiers: ClinVar variation 4624793 (VCV004624793.1).